The following is an entry in ClinVar:

ClinVar aggregate classification (germline): Likely pathogenic (1 of 4 stars; one submission).

Submission:

Labcorp Genetics (formerly Invitae), Labcorp
Classification: Likely pathogenic. Last evaluated: 2025-04-22. Review status: criteria provided, single submitter. Criteria: Invitae Variant Classification Sherloc (09022015). Collection method: clinical testing. Allele origin: germline.
Comment: This sequence change affects a donor splice site in intron 19 of the COL4A1 gene. It is expected to disrupt RNA splicing. Variants that disrupt the donor or acceptor splice site typically lead to a loss of protein function (PMID: 16199547), and loss-of-function variants in COL4A1 are known to be pathogenic (PMID: 23225343). This variant is not present in population databases (gnomAD no frequency). Disruption of this splice site has been observed in individual(s) with clinical features of COL4A1-related conditions (PMID: 38167978). ClinVar contains an entry for this variant (Variation ID: 3727799). Algorithms developed to predict the effect of sequence changes on RNA splicing suggest that this variant may disrupt the consensus splice site. In summary, the currently available evidence indicates that the variant is pathogenic, but additional data are needed to prove that conclusively. Therefore, this variant has been classified as Likely Pathogenic.

Literature cited by the submitters: PubMed 16199547; PubMed 23225343; PubMed 38167978.

NM_001845.6(COL4A1):c.1084+1G>T

Gene: COL4A1 (collagen type IV alpha 1 chain; minus strand). Cytogenetic location: 13q34.
Variant type: single nucleotide variant.
Coding change: c.1084+1G>T on transcript NM_001845.6 (MANE Select); the canonical splice donor site of the intron after coding-DNA position 1084, G replaced by T.
Molecular consequence: splice donor variant.
Genome position (GRCh38, 1-based): chr13:110,201,437, C>A on the plus strand (G>T on the coding strand, the complement: COL4A1 is on the minus strand). VCF-style: chr13-110201437-C-A. GRCh37 (hg19) VCF-style: chr13-110853784-C-A.
Other names: c.1084+1G>T (NM_001303110.2).
Identifiers: ClinVar variation 3727799 (VCV003727799.2).